The following is an entry in ClinVar:

ClinVar aggregate classification (germline): Uncertain significance (1 of 4 stars; one submission).

Submission:

Labcorp Genetics (formerly Invitae), Labcorp
Classification: Uncertain significance. Last evaluated: 2024-09-27. Review status: criteria provided, single submitter. Criteria: Invitae Variant Classification Sherloc (09022015). Collection method: clinical testing. Allele origin: germline.
Comment: This sequence change replaces serine, which is neutral and polar, with glutamic acid, which is acidic and polar, at codon 375 of the SON protein (p.Ser375Glu). Information on the frequency of this variant in the gnomAD database is not available, as this variant may be reported differently in the database. This variant has not been reported in the literature in individuals affected with SON-related conditions. An algorithm developed to predict the effect of missense changes on protein structure and function (PolyPhen-2) suggests that this variant is likely to be disruptive. In summary, the available evidence is currently insufficient to determine the role of this variant in disease. Therefore, it has been classified as a Variant of Uncertain Significance.

NM_138927.4(SON):c.1123_1124inv (p.Ser375Glu)

Gene: SON (SON DNA and RNA binding protein; plus strand). Cytogenetic location: 21q22.11.
Variant type: Inversion.
Coding change: c.1123_1124inv on transcript NM_138927.4 (MANE Select).
Protein change: p.Ser375Glu; replaces serine 375 with glutamic acid.
Molecular consequence: missense variant. On other transcripts: non-coding transcript variant (1), intron variant (1).
Genome position: GRCh38 VCF-style: chr21-33550354-TC-GA. GRCh37 (hg19) VCF-style: chr21-34922660-TC-GA.
Other names: c.1123_1124inv, p.Ser375Glu (NM_001291411.2, NM_032195.3); c.244+3975_244+3976inv (NM_001291412.3); short protein forms S375E.
Identifiers: ClinVar variation 3717946 (VCV003717946.2).
Genomic context (GRCh38, chr21:33,550,354, plus strand): 5'-ATGACAAGACCGCAGGAGTTGCCGGAGCTGCCTAAGACCACAGCGTTGGAGCTGCAGGAG[TC>GA]GTCGGTGGCCTCAGCGATGGAGTTGCCGGGGCCACCTGCGACCTCCATGCCGGAGTTGCA-3'
Protein context (NP_620305.3, residues 365-385): PKTTALELQE[Ser375Glu]SVASAMELPG